The following is an entry in ClinVar:

ClinVar aggregate classification (germline): Pathogenic. Review status: criteria provided, multiple submitters, no conflicts (2 of 4 stars). 12 submissions from 12 submitters: Pathogenic (10). 2 of the submissions do not count toward it. Last evaluated 2026-05-26.

Conditions:
SLC26A4-related disorder. Also called: SLC26A4-related condition; SLC26A4-related disorders.
Autosomal recessive nonsyndromic hearing loss 4 (DFNB4). Also called: DEAFNESS, AUTOSOMAL RECESSIVE 4, WITH ENLARGED VESTIBULAR AQUEDUCT, DIGENIC; FOXI1-Related Pendred Syndrome; KCNJ10-Related Pendred Syndrome; Nonsyndromic enlarged vestibular aqueduct (NSEVA); Deafness, autosomal recessive 4, with enlarged vestibular aqueduct; NEUROSENSORY NONSYNDROMIC RECESSIVE DEAFNESS 4. Identifiers: Orphanet 90636, MedGen C3538946, MONDO:0010933, OMIM 600791.
Pendred syndrome (PDS). Also called: Pendred's syndrome; Pendred Syndrome (PDS); DEAFNESS WITH GOITER; GOITER-DEAFNESS SYNDROME; HYPOTHYROIDISM, CONGENITAL, DUE TO DYSHORMONOGENESIS, 2B; THYROID DYSHORMONOGENESIS 2B. Identifiers: Orphanet 705, MedGen C0271829, MONDO:0010134, OMIM 274600.

Allele frequency attached by ClinVar (database versions not stated): gnomAD exomes below 0.00001 and 0.00001; gnomAD 0.00001; ExAC 0.00002.

Submissions (12):

PreventionGenetics, part of Exact Sciences
Classification: Pathogenic for SLC26A4-related condition. Last evaluated: 2026-05-26. Review status: criteria provided, single submitter. Criteria: ACMG Guidelines, 2015. Collection method: clinical testing. Allele origin: germline.
Comment: The SLC26A4 c.916dupG variant is predicted to result in a frameshift and premature protein termination (p.Val306Glyfs*24). This variant was reported along with a second SLC26A4 causative variant in individuals with hearing loss and/or enlarged vestibular aqueduct (Jiang et al. 2015. PubMed ID: 26252218; Downie et al. 2019. PubMed ID: 31827275; Table S2, Ma et al. 2023. PubMed ID: 36597107). This variant is reported in 0.016% of alleles in individuals of East Asian descent in gnomAD. Frameshift variants in SLC26A4 are expected to be pathogenic. This variant is interpreted as pathogenic.

Natera, Inc.
Classification: Pathogenic for Pendred syndrome. Last evaluated: 2025-07-28. Review status: criteria provided, single submitter. Criteria: Natera Variant Classification Schema (03/2026). Collection method: clinical testing. Allele origin: germline.
Comment: The c.916dupG variant in SLC26A4 is a frameshift variant predicted to shift the reading frame beginning at codon 306 and leads to a stop codon 24 codons downstream. This variant is expected to result in nonsense mediated decay, truncation, or a dysfunctional protein product. This variant is rare in the general population with a frequency below the threshold expected for the associated phenotype(s). This variant has been observed in one or more individuals affected with the associated recessive disease, as either homozygous or compound heterozygous with a second variant (PMID: 34170635). Given the available evidence, this variant is classified as Pathogenic.

GeneDx
Classification: Pathogenic. Last evaluated: 2025-03-12. Review status: criteria provided, single submitter. Criteria: GeneDx Variant Classification Process June 2021. Collection method: clinical testing. Allele origin: germline. Affected: yes.
Comment: Published functional studies demonstrate a damaging effect on iodide transport (PMID: 14715652); Frameshift variant predicted to result in protein truncation or nonsense mediated decay in a gene for which loss-of-function is a known mechanism of disease; This variant is associated with the following publications: (PMID: 23302201, 27240500, 32645618, 26252218, 14715652, 20483489, 30896630, 31581539, 31827275, 30275481, 33724713, 33597575, 32877901, 34170635, 34515852, 37963809, 36597107, 17718863, 30842343, 34416374, 35982127, 34599366)

Fulgent Genetics
Classification: Pathogenic for Pendred syndrome; Autosomal recessive nonsyndromic hearing loss 4. Last evaluated: 2024-04-16. Review status: criteria provided, single submitter. Criteria: ACMG Guidelines, 2015. Collection method: clinical testing. Allele origin: germline.

Women's Health and Genetics/Laboratory Corporation of America, LabCorp
Classification: Pathogenic for Pendred syndrome. Last evaluated: 2024-04-01. Review status: criteria provided, single submitter. Criteria: LabCorp Variant Classification Summary - May 2015. Collection method: clinical testing. Allele origin: germline.
Comment: Variant summary: SLC26A4 c.916dupG (p.Val306GlyfsX24) results in a premature termination codon, predicted to cause a truncation of the encoded protein or absence of the protein due to nonsense mediated decay, which are commonly known mechanisms for disease. The variant allele was found at a frequency of 1.2e-05 in 251278 control chromosomes (gnomAD). c.916dupG has been reported in the literature in multiple individuals affected with non syndromic enlarged vestibular aqueduct (example: Chai_2013). These data indicate that the variant is very likely to be associated with disease. The following publication has been ascertained in the context of this evaluation (PMID: 23918157). ClinVar contains an entry for this variant (Variation ID: 370192). Based on the evidence outlined above, the variant was classified as pathogenic.

Baylor Genetics
Classification: Pathogenic for Autosomal recessive nonsyndromic hearing loss 4. Last evaluated: 2024-03-16. Review status: criteria provided, single submitter. Criteria: ACMG Guidelines, 2015. Collection method: clinical testing. Allele origin: unknown.

Labcorp Genetics (formerly Invitae), Labcorp
Classification: Pathogenic. Last evaluated: 2024-01-25. Review status: criteria provided, single submitter. Criteria: Invitae Variant Classification Sherloc (09022015). Collection method: clinical testing. Allele origin: germline.
Comment: This sequence change creates a premature translational stop signal (p.Val306Glyfs*24) in the SLC26A4 gene. It is expected to result in an absent or disrupted protein product. Loss-of-function variants in SLC26A4 are known to be pathogenic (PMID: 16283880, 25394566, 26252218, 26445815). This variant is present in population databases (rs768245266, gnomAD 0.02%). This premature translational stop signal has been observed in individuals with non-syndromic hearing loss and Pendred syndrome (PMID: 14715652, 17718863, 21366435, 26252218). This variant is also known as 916_917insG and 916insG. ClinVar contains an entry for this variant (Variation ID: 370192). For these reasons, this variant has been classified as Pathogenic.

Genome-Nilou Lab
Classification: Pathogenic for Pendred syndrome. Last evaluated: 2021-09-05. Review status: criteria provided, single submitter. Criteria: ACMG Guidelines, 2015. Collection method: clinical testing. Allele origin: germline. Affected: no.

Victorian Clinical Genetics Services, Murdoch Childrens Research Institute
Classification: Pathogenic for Autosomal recessive nonsyndromic hearing loss 4. Last evaluated: 2017-10-27. Review status: criteria provided, single submitter. Criteria: ACMG Guidelines, 2015. Collection method: clinical testing. Allele origin: unknown. Affected: yes.
Comment: A heterozygous duplication variant, NM_000441.1(SLC26A4):c.916dupG, has been identified in exon 7 of 21 of the SLC26A4 gene. This variant is predicted to cause a frameshift from amino acid position 306 and introduce a stop codon 24 residues downstream, NP_000432.1(SLC26A4):p.(Val306Glyfs*24), resulting in loss of protein function either through truncation (involving half of the protein including functional domains) or nonsense-mediated decay.This variant is present in the gnomAD database with a global frequency of 0.0014% (2 in 277028, 0 homozygotes) and in East Asian populations at a frequency of 0.02% (4 in 18862, 0 homozygotes). The variant has been previously described as pathogenic in multiple families withsevere to profoundhearing loss(ClinVar, Li, Q. et al. (2012), Lee, HJ. et al. (2014),Mori, K.et al. (2016), Wang, Q-J. et al. (2007),Jung, J. et al. (2017)). Based on current informationthis variant has been classified as PATHOGENIC.

Juno Genomics, Hangzhou Juno Genomics, Inc
Classification: Pathogenic for Autosomal recessive nonsyndromic hearing loss 4; Pendred syndrome. Review status: criteria provided, single submitter. Criteria: ACMG Guidelines, 2015. Collection method: clinical testing. Allele origin: germline. Affected: yes.
Comment: Absent from controls (or at extremely low frequency if recessive) in Genome Aggregation Database.;Null variant in a gene where loss of function (LOF) is a known mechanism of disease.;For recessive disorders, detected in trans with a pathogenic variant.

Department of Reproductive Genetics, International Peace Maternity and Child Health Hospital, Shanghai Jiao Tong University School of Medicine
Classification: Pathogenic for Deafness, autosomal recessive 4, with enlarged vestibular aqueduct. Last evaluated: 2025-05-01. Review status: no assertion criteria provided. Collection method: clinical testing. Allele origin: inherited. Affected: yes. Not counted in ClinVar's aggregate classification.

Counsyl
Classification: Likely pathogenic for Pendred syndrome. Last evaluated: 2015-12-11. Review status: no assertion criteria provided. Collection method: clinical testing. Allele origin: unknown. Not counted in ClinVar's aggregate classification.

Literature cited by the submitters: PubMed 34170635 (cited by Natera, Inc.); PubMed 23918157 (cited by Women's Health and Genetics/Laboratory Corporation of America, LabCorp and Department of Reproductive Genetics, International Peace Maternity and Child Health Hospital, Shanghai Jiao Tong University School of Medicine); PubMed 16283880 (cited by Labcorp Genetics (formerly Invitae), Labcorp); PubMed 25394566 (cited by Labcorp Genetics (formerly Invitae), Labcorp); PubMed 26252218 (cited by Labcorp Genetics (formerly Invitae), Labcorp and Department of Reproductive Genetics, International Peace Maternity and Child Health Hospital, Shanghai Jiao Tong University School of Medicine); PubMed 26445815 (cited by Labcorp Genetics (formerly Invitae), Labcorp); PubMed 14715652 (cited by Labcorp Genetics (formerly Invitae), Labcorp and Department of Reproductive Genetics, International Peace Maternity and Child Health Hospital, Shanghai Jiao Tong University School of Medicine); PubMed 17718863 (cited by 3 submitters); PubMed 21366435 (cited by Labcorp Genetics (formerly Invitae), Labcorp and Department of Reproductive Genetics, International Peace Maternity and Child Health Hospital, Shanghai Jiao Tong University School of Medicine); PubMed 28786104 (cited by Department of Reproductive Genetics, International Peace Maternity and Child Health Hospital, Shanghai Jiao Tong University School of Medicine); PubMed 26397989 (cited by Department of Reproductive Genetics, International Peace Maternity and Child Health Hospital, Shanghai Jiao Tong University School of Medicine).

NM_000441.2(SLC26A4):c.916dup (p.Val306fs)

Gene: SLC26A4 (solute carrier family 26 member 4; plus strand). Cytogenetic location: 7q22.3.
Variant type: Duplication.
Coding change: c.916dup on transcript NM_000441.2 (MANE Select); coding-DNA position 916, one base duplicated (G; older notation c.916dupG).
Protein change: p.Val306fs; shifts the reading frame from valine 306.
Molecular consequence: frameshift variant.
Genome position (GRCh38, 1-based): chr7:107,683,352, G duplicated. VCF-style (leftmost placement, unchanged base first): chr7-107683351-T-TG. GRCh37 (hg19) VCF-style: chr7-107323796-T-TG.
Other names: c.916dup (NM_000441.1); c.916dupG (NM_000441.2); short protein forms V306fs.
Identifiers: ClinVar variation 370192 (VCV000370192.28), dbSNP rs768245266, ClinGen allele CA4432610.